The following is an entry in ClinVar:

NM_012238.5(SIRT1):c.208GCG[6] (p.Ala74dup)

Genes: SIRT1 (sirtuin 1; plus strand), LOC107832851 (SIRT1 promoter region; plus strand). Cytogenetic location: 10q21.3.
Variant type: Microsatellite.
Coding change: c.208GCG[6] on transcript NM_012238.5 (MANE Select); six copies in a row of the 3-base unit GCG starting at c.208; the reference has five copies in a row; one copy, 3 bases duplicated.
Protein change: p.Ala74dup; duplicates alanine 74.
Molecular consequence: inframe insertion.
Genome position (GRCh38, 1-based): chr10:67,884,941-67,884,943, GCG duplicated; duplicating any 3 consecutive bases within chr10:67,884,929-67,884,943 gives the same sequence; the position shown is the placement nearest the transcript's 3' end. VCF-style (leftmost placement, unchanged base first): chr10-67884928-T-TGCG. GRCh37 (hg19) VCF-style: chr10-69644686-T-TGCG.
Identifiers: ClinVar variation 1377998 (VCV001377998.8), dbSNP rs1029959272, ClinGen allele CA208364184.

ClinVar aggregate classification (germline): Uncertain significance (1 of 4 stars; one submission).

Submission:

Labcorp Genetics (formerly Invitae), Labcorp
Classification: Uncertain significance. Last evaluated: 2025-09-02. Review status: criteria provided, single submitter. Criteria: Invitae Variant Classification Sherloc (09022015). Collection method: clinical testing. Allele origin: germline.
Comment: This variant, c.220_222dup, results in the insertion of 1 amino acid(s) of the SIRT1 protein (p.Ala74dup), but otherwise preserves the integrity of the reading frame. This variant is present in population databases (no rsID available, gnomAD 0.02%). This variant has not been reported in the literature in individuals affected with SIRT1-related conditions. Experimental studies and prediction algorithms are not available or were not evaluated, and the functional significance of this variant is currently unknown. In summary, the available evidence is currently insufficient to determine the role of this variant in disease. Therefore, it has been classified as a Variant of Uncertain Significance.